The following is an entry in ClinVar:

NM_024675.4(PALB2):c.956C>T (p.Ser319Phe)

Gene: PALB2 (partner and localizer of BRCA2; minus strand). Cytogenetic location: 16p12.2.
Variant type: single nucleotide variant.
Coding change: c.956C>T on transcript NM_024675.4 (MANE Select); coding-DNA position 956, C replaced by T.
Protein change: p.Ser319Phe; replaces serine 319 with phenylalanine.
Molecular consequence: missense variant.
Genome position (GRCh38, 1-based): chr16:23,635,590, G>A on the plus strand (C>T on the coding strand, the complement: PALB2 is on the minus strand). VCF-style: chr16-23635590-G-A. GRCh37 (hg19) VCF-style: chr16-23646911-G-A.
Other names: short protein forms S319F.
Identifiers: ClinVar variation 402312 (VCV000402312.26), dbSNP rs200144401, ClinGen allele CA7963741.

ClinVar aggregate classification (germline): Uncertain significance. Review status: criteria provided, multiple submitters, no conflicts (2 of 4 stars). 5 submissions from 5 submitters: Uncertain significance (5). Last evaluated 2025-11-11.

Conditions:
Familial cancer of breast. Also called: hereditary breast carcinoma; Hereditary breast cancer; BREAST CANCER, FAMILIAL. Identifiers: Orphanet 227535, MedGen C0346153, MONDO:0016419, OMIM 114480. Disease mechanism: loss of function.
Breast-ovarian cancer, familial, susceptibility to, 5 (BROVCA5). Identifiers: MedGen C5830615, MONDO:0957530, OMIM 620442.
Hereditary cancer-predisposing syndrome. Also called: Hereditary neoplastic syndrome; Tumor predisposition; Hereditary Cancer Syndrome; Neoplastic Syndromes, Hereditary. Identifiers: Orphanet 140162, MedGen C0027672, MeSH D009386, MONDO:0015356.

Allele frequency attached by ClinVar (database versions not stated): gnomAD exomes below 0.00001; ExAC 0.00001; 1000 Genomes Project 30x 0.00016; 1000 Genomes Project 0.00020.

Submissions (5):

Labcorp Genetics (formerly Invitae), Labcorp
Classification: Uncertain significance for Familial cancer of breast. Last evaluated: 2025-11-11. Review status: criteria provided, single submitter. Criteria: Invitae Variant Classification Sherloc (09022015). Collection method: clinical testing. Allele origin: germline.
Comment: This sequence change replaces serine, which is neutral and polar, with phenylalanine, which is neutral and non-polar, at codon 319 of the PALB2 protein (p.Ser319Phe). This variant is present in population databases (rs200144401, gnomAD 0.006%). This variant has not been reported in the literature in individuals affected with PALB2-related conditions. ClinVar contains an entry for this variant (Variation ID: 402312). Invitae Evidence Modeling of protein sequence and biophysical properties (such as structural, functional, and spatial information, amino acid conservation, physicochemical variation, residue mobility, and thermodynamic stability) indicates that this missense variant is not expected to disrupt PALB2 protein function with a negative predictive value of 80%. In summary, the available evidence is currently insufficient to determine the role of this variant in disease. Therefore, it has been classified as a Variant of Uncertain Significance.

Dasa
Classification: Uncertain significance for Breast-ovarian cancer, familial, susceptibility to, 5. Last evaluated: 2025-07-02. Review status: criteria provided, single submitter. Criteria: DASA Assertion Criteria. Collection method: clinical testing. Allele origin: germline.
Comment: NM_024675.4(PALB2):c.956C>T (p.Ser319Phe) is a missense variant that results in the substitution of serine with phenylalanine. This variant is rare in population databases. The currently available literature and clinical evidence are not sufficient to establish a definitive association between this variant and the reported condition. Therefore, this variant is classified as a variant of uncertain significance.

Ambry Genetics
Classification: Uncertain significance for Hereditary cancer-predisposing syndrome. Last evaluated: 2024-04-14. Review status: criteria provided, single submitter. Criteria: Ambry Variant Classification Scheme 2023. Collection method: clinical testing. Allele origin: germline.
Comment: The p.S319F variant (also known as c.956C>T), located in coding exon 4 of the PALB2 gene, results from a C to T substitution at nucleotide position 956. The serine at codon 319 is replaced by phenylalanine, an amino acid with highly dissimilar properties. This variant was reported in 1/60,466 breast cancer cases and in 0/53,461 controls (Dorling et al. N Engl J Med. 2021 02;384:428-439). This amino acid position is poorly conserved in available vertebrate species. In addition, this alteration is predicted to be tolerated by in silico analysis. Since supporting evidence is limited at this time, the clinical significance of this alteration remains unclear.

Color Diagnostics, LLC DBA Color Health
Classification: Uncertain significance for Hereditary cancer-predisposing syndrome. Last evaluated: 2024-03-19. Review status: criteria provided, single submitter. Criteria: ACMG Guidelines, 2015. Collection method: clinical testing. Allele origin: germline.
Comment: This missense variant replaces serine with phenylalanine at codon 319 of the PALB2 protein. Computational prediction suggests that this variant may not impact protein structure and function. To our knowledge, functional studies have not been reported for this variant. This variant has been detected in a breast cancer case-control meta-analysis in 1/60466 cases and 0/53461 unaffected individuals (PMID: 33471991; Leiden Open Variation Database DB-ID PALB2_011105). This variant has been identified in 1/250920 chromosomes in the general population by the Genome Aggregation Database (gnomAD). The available evidence is insufficient to determine the role of this variant in disease conclusively. Therefore, this variant is classified as a Variant of Uncertain Significance.

Mendelics
Classification: Uncertain significance for Familial cancer of breast. Last evaluated: 2019-05-28. Review status: criteria provided, single submitter. Criteria: Mendelics Assertion Criteria 2017. Collection method: clinical testing. Allele origin: unknown.

Literature cited by the submitters: PubMed 33471991 (cited by Ambry Genetics and Color Diagnostics, LLC DBA Color Health).